The following is an entry in ClinVar:

NM_001035.3(RYR2):c.9272C>T (p.Thr3091Ile)

Gene: RYR2 (ryanodine receptor 2; plus strand). Cytogenetic location: 1q43.
Variant type: single nucleotide variant.
Coding change: c.9272C>T on transcript NM_001035.3 (MANE Select); coding-DNA position 9272, C replaced by T.
Protein change: p.Thr3091Ile; replaces threonine 3091 with isoleucine.
Molecular consequence: missense variant.
Genome position (GRCh38, 1-based): chr1:237,700,372, C>T. VCF-style: chr1-237700372-C-T. GRCh37 (hg19) VCF-style: chr1-237863672-C-T.
Other names: short protein forms T3091I.
Identifiers: ClinVar variation 3072983 (VCV003072983.1), dbSNP rs1687860934, ClinGen allele CA345406030.
Genomic context (GRCh38, chr1:237,700,372, plus strand): 5'-CCATGGAAAACCTCAAGCAGGGCCAGTTCACTCACACCCGAAACCAGCCCAAAGGGGTTA[C>T]TCAGATTATCAATTACACCACAGTGGCCCTGCTGCCAATGCTGTCTTCATTATTTGAACA-3'
Protein context (NP_001026.2, residues 3081-3101): THTRNQPKGV[Thr3091Ile]QIINYTTVAL

ClinVar aggregate classification (germline): Uncertain significance (1 of 4 stars; one submission).

Conditions:
Catecholaminergic polymorphic ventricular tachycardia (CVPT). Also called: Catecholamine-induced polymorphic ventricular tachycardia. Identifiers: Orphanet 3286, MedGen C5574922, MONDO:0017990.

Allele frequency attached by ClinVar (database versions not stated): gnomAD 0.00001.
gnomAD v4.1: 1 of 1,606,508 alleles (0.000062%); highest among the groups gnomAD compares: Non-Finnish European, 0.000085%; no homozygotes.

Submission:

All of Us Research Program, National Institutes of Health
Classification: Uncertain significance for Catecholaminergic polymorphic ventricular tachycardia. Last evaluated: 2023-08-15. Review status: criteria provided, single submitter. Criteria: ACMG Guidelines, 2015. Collection method: clinical testing. Allele origin: germline. Inheritance: Autosomal dominant inheritance. Observed: 1 variant allele, 1 heterozygote.
Comment: This missense variant replaces threonine with isoleucine at codon 3091 of the RYR2 protein. Computational prediction suggests that this variant may not impact protein structure and function (internally defined REVEL score threshold <= 0.5, PMID: 27666373). To our knowledge, functional studies have not been reported for this variant. This variant has not been reported in individuals affected with RYR2-related disorders in the literature. This variant has not been identified in the general population by the Genome Aggregation Database (gnomAD). The available evidence is insufficient to determine the role of this variant in disease conclusively. Therefore, this variant is classified as a Variant of Uncertain Significance.

This study involves interpretation of variants in research participants for the purpose of population health screening. Participant phenotype was not available at the time of variant classification. Additional details can be found in publication PMID: 35346344, PMCID: PMC8962531